The following is an entry in ClinVar:

ClinVar aggregate classification (germline): Uncertain significance (1 of 4 stars; one submission).

Submission:

GeneDx
Classification: Uncertain significance. Last evaluated: 2025-05-27. Review status: criteria provided, single submitter. Criteria: GeneDx Variant Classification Process June 2021. Collection method: clinical testing. Allele origin: germline. Affected: yes.
Comment: Not observed at significant frequency in large population cohorts (gnomAD); In silico analysis supports that this missense variant has a deleterious effect on protein structure/function; Has not been previously published as pathogenic or benign to our knowledge

NM_000384.3(APOB):c.13517T>A (p.Leu4506His)

Gene: APOB (apolipoprotein B; minus strand). Cytogenetic location: 2p24.1.
Variant type: single nucleotide variant.
Coding change: c.13517T>A on transcript NM_000384.3 (MANE Select); coding-DNA position 13517, T replaced by A.
Protein change: p.Leu4506His; replaces leucine 4506 with histidine.
Molecular consequence: missense variant.
Genome position (GRCh38, 1-based): chr2:21,001,905, A>T on the plus strand (T>A on the coding strand, the complement: APOB is on the minus strand). VCF-style: chr2-21001905-A-T. GRCh37 (hg19) VCF-style: chr2-21224777-A-T.
Other names: short protein forms L4506H.
Identifiers: ClinVar variation 4532494 (VCV004532494.1).
Genomic context (GRCh38, chr2:21,001,905, plus strand): 5'-TGAATGGACAGGTCAATCAATCTTTTGGATTCAGCAATAAATTTTTCATAGTAATCAGAG[A>T]GTTGGTCTGAAAAATCTTGCAGTTTATATCTAAACTGCTGGTGGTAATCAGAAATTATTT-3'
Protein context (NP_000375.3, residues 4496-4516): RYKLQDFSDQ[Leu4506His]SDYYEKFIAE